The following is an entry in ClinVar:

ClinVar aggregate classification (germline): Conflicting classifications of pathogenicity. Review status: criteria provided, conflicting classifications (1 of 4 stars). 4 submissions from 4 submitters: Uncertain significance (3); Likely benign (1). Last evaluated 2026-07-06.

Conditions:
Cardiovascular phenotype. Identifiers: MedGen CN230736.
Hypertrophic cardiomyopathy 26. Also called: Cardiomyopathy, familial hypertrophic, 26. Identifiers: Orphanet 75249, MedGen C4310749, MONDO:0014883, OMIM 617047.
Myofibrillar myopathy 5. Also called: Filaminopathy (type); FILAMINOPATHY, AUTOSOMAL DOMINANT. Identifiers: Orphanet 171445, MedGen C1836050, MONDO:0012289, OMIM 609524.
Distal myopathy with posterior leg and anterior hand involvement. Also called: WILLIAMS DISTAL MYOPATHY. Identifiers: Orphanet 63273, MedGen C3279722, MONDO:0013550, OMIM 614065.

Allele frequency attached by ClinVar (database versions not stated): gnomAD exomes below 0.00001 and 0.00001; gnomAD 0.00001; TOPMed 0.00001.
gnomAD v4.1: 11 of 1,613,942 alleles (0.00068%); highest among the groups gnomAD compares: Middle Eastern, 0.016%; no homozygotes.

Submissions (4):

Ambry Genetics
Classification: Uncertain significance for Cardiovascular phenotype. Last evaluated: 2026-07-06. Review status: criteria provided, single submitter. Criteria: Ambry Variant Classification Scheme 2023. Collection method: clinical testing. Allele origin: germline.
Comment: The p.T633M variant (also known as c.1898C>T), located in coding exon 12 of the FLNC gene, results from a C to T substitution at nucleotide position 1898. The threonine at codon 633 is replaced by methionine, an amino acid with similar properties. This amino acid position is conserved. In addition, the in silico prediction for this alteration is inconclusive. Based on the available evidence, the clinical significance of this variant remains unclear.

Labcorp Genetics (formerly Invitae), Labcorp
Classification: Likely benign for Distal myopathy with posterior leg and anterior hand involvement; Myofibrillar myopathy 5; Hypertrophic cardiomyopathy 26. Last evaluated: 2025-11-27. Review status: criteria provided, single submitter. Criteria: Invitae Variant Classification Sherloc (09022015). Collection method: clinical testing. Allele origin: germline.

CeGaT Center for Human Genetics Tuebingen
Classification: Uncertain significance. Last evaluated: 2022-10-01. Review status: criteria provided, single submitter. Criteria: CeGaT Center For Human Genetics Tuebingen Variant Classification Criteria Version 2. Collection method: clinical testing. Allele origin: germline. Affected: yes. Observed: 2 variant alleles.

GeneDx
Classification: Uncertain significance. Last evaluated: 2019-10-10. Review status: criteria provided, single submitter. Criteria: GeneDx Variant Classification Process June 2021. Collection method: clinical testing. Allele origin: germline. Affected: yes.
Comment: Has not been previously published as pathogenic or benign to our knowledge; Reported in ClinVar but additional evidence is not available (ClinVar Variant ID#646079; Landrum et al., 2016); In silico analysis, which includes protein predictors and evolutionary conservation, supports a deleterious effect

NM_001458.5(FLNC):c.1898C>T (p.Thr633Met)

Gene: FLNC (filamin C; plus strand). Cytogenetic location: 7q32.1.
Variant type: single nucleotide variant.
Coding change: c.1898C>T on transcript NM_001458.5 (MANE Select); coding-DNA position 1898, C replaced by T.
Protein change: p.Thr633Met; replaces threonine 633 with methionine.
Molecular consequence: missense variant.
Genome position (GRCh38, 1-based): chr7:128,841,254, C>T. VCF-style: chr7-128841254-C-T. GRCh37 (hg19) VCF-style: chr7-128481308-C-T.
Other names: c.1898C>T, p.Thr633Met (NM_001127487.2); short protein forms T633M.
Identifiers: ClinVar variation 646079 (VCV000646079.40), dbSNP rs1187790496, ClinGen allele CA369227316.